The following is an entry in ClinVar:

ClinVar aggregate classification (germline): Uncertain significance (1 of 4 stars; one submission).

gnomAD v4.1: 2 of 1,550,582 alleles (0.00013%); highest among the groups gnomAD compares: Non-Finnish European, 0.00017%; no homozygotes.

Submission:

GeneDx
Classification: Uncertain significance. Last evaluated: 2025-09-18. Review status: criteria provided, single submitter. Criteria: GeneDx Variant Classification Process June 2021. Collection method: clinical testing. Allele origin: germline.
Comment: Not observed at significant frequency in large population cohorts (gnomAD); In silico analysis supports that this missense variant has a deleterious effect on protein structure/function; Has not been previously published as pathogenic or benign to our knowledge

NM_001292063.2(OTOG):c.1919G>A (p.Cys640Tyr)

Gene: OTOG (otogelin; plus strand). Cytogenetic location: 11p15.1.
Variant type: single nucleotide variant.
Coding change: c.1919G>A on transcript NM_001292063.2 (MANE Select); coding-DNA position 1919, G replaced by A.
Protein change: p.Cys640Tyr; replaces cysteine 640 with tyrosine.
Molecular consequence: missense variant.
Genome position (GRCh38, 1-based): chr11:17,570,354, G>A. VCF-style: chr11-17570354-G-A. GRCh37 (hg19) VCF-style: chr11-17591901-G-A.
Other names: c.1955G>A, p.Cys652Tyr (NM_001277269.2); short protein forms C640Y, C652Y.
Identifiers: ClinVar variation 4056878 (VCV004056878.2).